The following is an entry in ClinVar:

ClinVar aggregate classification (germline): Pathogenic. Review status: criteria provided, multiple submitters, no conflicts (2 of 4 stars). 3 submissions from 3 submitters: Pathogenic (3). Last evaluated 2025-10-19.

Conditions:
Retinoblastoma (RB1). Also called: RETINOBLASTOMA, SOMATIC. Identifiers: Orphanet 790, MedGen C0035335, MeSH D012175, MONDO:0008380, OMIM 180200, HP:0009919. Disease mechanism: loss of function. Inheritance: Both sporadic and heritable forms are tested..
Hereditary cancer-predisposing syndrome. Also called: Hereditary Cancer Syndrome; Neoplastic Syndromes, Hereditary; Hereditary neoplastic syndrome; Tumor predisposition. Identifiers: Orphanet 140162, MedGen C0027672, MeSH D009386, MONDO:0015356.

Submissions (3):

Labcorp Genetics (formerly Invitae), Labcorp
Classification: Pathogenic for Retinoblastoma. Last evaluated: 2025-10-19. Review status: criteria provided, single submitter. Criteria: Invitae Variant Classification Sherloc (09022015). Collection method: clinical testing. Allele origin: germline.
Comment: This sequence change affects an acceptor splice site in intron 9 of the RB1 gene. It is expected to disrupt RNA splicing. Variants that disrupt the donor or acceptor splice site typically lead to a loss of protein function (PMID: 16199547), and loss-of-function variants in RB1 are known to be pathogenic (PMID: 17096365). This variant is not present in population databases (gnomAD no frequency). Disruption of this splice site has been observed in individual(s) with bilateral retinoblastoma (PMID: 27582626, 33456302; internal data). ClinVar contains an entry for this variant (Variation ID: 428678). Algorithms developed to predict the effect of sequence changes on RNA splicing suggest that this variant may disrupt the consensus splice site. For these reasons, this variant has been classified as Pathogenic.

Genetic Diagnostic Laboratory, University of Pennsylvania School of Medicine
Classification: Pathogenic for Retinoblastoma. Last evaluated: 2024-05-20. Review status: criteria provided, single submitter. Criteria: ACMG Guidelines, 2015. Collection method: clinical testing. Allele origin: germline. Affected: yes. Observed: 1 variant allele.
Comment: Case and Pedigree Information: BILATERAL CASES:1, UNILATERAL CASES:0, TOTAL CASES:1, PEDIGREES:1. ACMG Codes Applied:PVS1, PM2

Ambry Genetics
Classification: Pathogenic for Hereditary cancer-predisposing syndrome. Last evaluated: 2020-08-25. Review status: criteria provided, single submitter. Criteria: Ambry Variant Classification Scheme 2023. Collection method: clinical testing. Allele origin: germline.
Comment: The c.940-1G>A intronic pathogenic mutation results from a G to A substitution one nucleotide upstream from coding exon 10 of the RB1 gene. This mutation has been reported in multiple patients with unilateral and bilateral retinoblastoma (Singh J et al. Mol. Vis., 2016 Aug;22:1036-47; Ambry internal data). This variant was not reported in population-based cohorts in the Genome Aggregation Database (gnomAD). In silico splice site analysis predicts that this alteration will weaken the native splice acceptor site. Alterations that disrupt the canonical splice site are expected to cause aberrant splicing, resulting in an abnormal protein or a transcript that is subject to nonsense-mediated mRNA decay. Based on the supporting evidence, this alteration is interpreted as a disease-causing mutation.

Literature cited by the submitters: PubMed 16199547 (cited by Labcorp Genetics (formerly Invitae), Labcorp); PubMed 17096365 (cited by Labcorp Genetics (formerly Invitae), Labcorp); PubMed 27582626 (cited by Labcorp Genetics (formerly Invitae), Labcorp and Ambry Genetics); PubMed 33456302 (cited by Labcorp Genetics (formerly Invitae), Labcorp).

NM_000321.3(RB1):c.940-1G>A

Gene: RB1 (RB transcriptional corepressor 1; plus strand). Cytogenetic location: 13q14.2.
Variant type: single nucleotide variant.
Coding change: c.940-1G>A on transcript NM_000321.3 (MANE Select); the canonical splice acceptor site of the intron before coding-DNA position 940, G replaced by A.
Molecular consequence: splice acceptor variant.
Genome position (GRCh38, 1-based): chr13:48,367,493, G>A. VCF-style: chr13-48367493-G-A. GRCh37 (hg19) VCF-style: chr13-48941629-G-A.
Other names: c.940-1G>A (NM_001407165.1, NM_001407166.1).
Identifiers: ClinVar variation 428678 (VCV000428678.13), dbSNP rs1131690860, ClinGen allele CA388160560.